The following is an entry in ClinVar:

NM_001378615.1(CC2D2A):c.4682dup (p.Phe1562fs)

Genes: CC2D2A (coiled-coil and C2 domain containing 2A; plus strand), FBXL5 (F-box and leucine rich repeat protein 5; minus strand). Cytogenetic location: 4p15.32.
Variant type: Duplication.
Coding change: c.4682dup on transcript NM_001378615.1 (MANE Select); coding-DNA position 4682, one base duplicated (G; older notation c.4682dupG).
Protein change: p.Phe1562fs; shifts the reading frame from phenylalanine 1562.
Molecular consequence: frameshift variant.
Genome position (GRCh38, 1-based): chr4:15,601,244, G duplicated; the last of 2 consecutive G bases (chr4:15,601,243-15,601,244); duplicating either gives the same sequence. VCF-style (leftmost placement, unchanged base first): chr4-15601242-T-TG. GRCh37 (hg19) VCF-style: chr4-15602865-T-TG.
Other names: c.4682dupG (NM_001080522.2); c.4682dup, p.Phe1562fs (NM_001080522.2); c.4535dup, p.Phe1513fs (NM_001378617.1); short protein forms F1562fs, F1513fs.
Identifiers: ClinVar variation 461754 (VCV000461754.7), dbSNP rs1553845917, ClinGen allele CA658657378.

ClinVar aggregate classification (germline): Pathogenic (1 of 4 stars; one submission).

Conditions:
Meckel-Gruber syndrome. Also called: Dysencephalia splachnocystica; DYSENCEPHALIA SPLANCHNOCYSTICA; GRUBER SYNDROME. Identifiers: Orphanet 564, MedGen C0265215, MONDO:0018921.
Joubert syndrome. Also called: Familial aplasia of the vermis; JOUBERT-BOLTSHAUSER SYNDROME. Identifiers: Orphanet 475, MedGen C5979921, MONDO:0018772.

Submission:

Labcorp Genetics (formerly Invitae), Labcorp
Classification: Pathogenic for Joubert syndrome; Meckel-Gruber syndrome. Last evaluated: 2022-12-09. Review status: criteria provided, single submitter. Criteria: Invitae Variant Classification Sherloc (09022015). Collection method: clinical testing. Allele origin: germline.
Comment: This variant has not been reported in the literature in individuals affected with CC2D2A-related conditions. For these reasons, this variant has been classified as Pathogenic. This variant disrupts a region of the CC2D2A protein in which other variant(s) (p.Ala1577Valfs*5) have been determined to be pathogenic (PMID: 30267408). This suggests that this is a clinically significant region of the protein, and that variants that disrupt it are likely to be disease-causing. ClinVar contains an entry for this variant (Variation ID: 461754). This variant is not present in population databases (gnomAD no frequency). This sequence change creates a premature translational stop signal (p.Phe1562Ilefs*9) in the CC2D2A gene. While this is not anticipated to result in nonsense mediated decay, it is expected to disrupt the last 59 amino acid(s) of the CC2D2A protein.

Literature cited by the submitters: PubMed 30267408.